The following is an entry in ClinVar:

NM_052845.4(MMAB):c.567CCG[3] (p.Arg191dup)

Gene: MMAB (metabolism of cobalamin associated B; minus strand). Cytogenetic location: 12q24.11.
Variant type: Microsatellite.
Coding change: c.567CCG[3] on transcript NM_052845.4 (MANE Select); three copies in a row of the 3-base unit CCG starting at c.567; the reference has two copies in a row; one copy, 3 bases duplicated; also written c.570_572dup.
Protein change: p.Arg191dup; duplicates arginine 191.
Molecular consequence: inframe insertion. On other transcripts: non-coding transcript variant (1).
Genome position (GRCh38, 1-based): chr12:109,561,052-109,561,054, CGG duplicated on the plus strand (CCG on the coding strand, the reverse complement: MMAB is on the minus strand); duplicating any 3 consecutive bases within chr12:109,561,052-109,561,058 gives the same sequence; the position shown is the placement nearest the transcript's 3' end. VCF-style (leftmost placement, unchanged base first): chr12-109561051-C-CCGG. GRCh37 (hg19) VCF-style: chr12-109998856-C-CCGG.
Other names: c.570_572dupCCG (NM_052845.3); c.570_572dup (NM_052845.4).
Identifiers: ClinVar variation 218327 (VCV000218327.8), dbSNP rs864309512, ClinGen allele CA278562.

ClinVar aggregate classification (germline): Likely pathogenic. Review status: criteria provided, multiple submitters, no conflicts (2 of 4 stars). 4 submissions from 4 submitters: Likely pathogenic (3). 1 of the submissions does not count toward it. Last evaluated 2024-05-15.

Conditions:
Methylmalonic acidemia (MMA). Also called: Isolated Methylmalonic Acidemia. Identifiers: MedGen C0268583, MeSH C537358, MONDO:0002012, HP:0002912.
Methylmalonic aciduria, cblB type (MACB). Also called: Vitamin B12-responsive methylmalonic acidemia type cblB; METHYLMALONIC ACIDURIA, VITAMIN B12-RESPONSIVE, DUE TO DEFECT IN SYNTHESIS OF ADENOSYLCOBALAMIN, cblB TYPE; Methylmalonic acidemia cblB type. Identifiers: Orphanet 28, Orphanet 79311, MedGen C1855102, MONDO:0009614, OMIM 251110.

Submissions (4):

Fulgent Genetics
Classification: Likely pathogenic for Methylmalonic aciduria, cblB type. Last evaluated: 2024-05-15. Review status: criteria provided, single submitter. Criteria: ACMG Guidelines, 2015. Collection method: clinical testing. Allele origin: germline.

Labcorp Genetics (formerly Invitae), Labcorp
Classification: Likely pathogenic for Methylmalonic aciduria, cblB type. Last evaluated: 2023-09-05. Review status: criteria provided, single submitter. Criteria: Invitae Variant Classification Sherloc (09022015). Collection method: clinical testing. Allele origin: germline.
Comment: Experimental studies have shown that this variant affects MMAB function (PMID: 24813872). In summary, the currently available evidence indicates that the variant is pathogenic, but additional data are needed to prove that conclusively. Therefore, this variant has been classified as Likely Pathogenic. Algorithms developed to predict the effect of variants on protein structure and function are not available or were not evaluated for this variant. This variant, c.570_572dup, results in the insertion of 1 amino acid(s) of the MMAB protein (p.Arg191dup), but otherwise preserves the integrity of the reading frame. This variant is not present in population databases (gnomAD no frequency). This variant has been observed in individual(s) with clinical features of methylmalonic aciduria cblB type (PMID: 24813872). In at least one individual the data is consistent with being in trans (on the opposite chromosome) from a pathogenic variant. It has also been observed to segregate with disease in related individuals. ClinVar contains an entry for this variant (Variation ID: 218327).

Women's Health and Genetics/Laboratory Corporation of America, LabCorp
Classification: Likely pathogenic for Methylmalonic acidemia. Last evaluated: 2022-12-09. Review status: criteria provided, single submitter. Criteria: LabCorp Variant Classification Summary - May 2015. Collection method: clinical testing. Allele origin: germline.
Comment: Variant summary: MMAB c.570_572dupCCG (p.Arg191dup) results in an in-frame duplication in the Cobalamin adenosyltransferase-like domain (IPR016030), that is predicted to duplicate 1 amino acid into the encoded protein. The variant was absent in 248880 control chromosomes (gnomAD). The available data on variant occurrences in the general population are insufficient to allow any conclusion about variant significance. c.570_572dupCCG has been reported in the literature in a compound heterozygous individual identified through newborn screening, who is documented as clinically asymptomatic and follows a disease management plan to avoid metabolic crises. This report does not provide unequivocal conclusions about association of the variant with Methylmalonic Acidemia. Nevertheless, Brasil et al (2015) carried out functional assessment of the variant and concluded it to be a severely destabilizing mutation with concomitant greatly reduced ATR activity, while p.His183Leu (the variant in trans in the two identified siblings) has a milder effect (which may explain their asymptomatic status). A ClinVar submitter (evaluation after 2014) cites the variant as pathogenic. A different in-frame duplication involving 5 amino acids within this region of the protein (c.563_577dup, p.Val188_Ala192dup) is reported in multiple individuals affected with Methylmalonic Acidemia and is classified as pathogenic via internal testing. Additionally, missense variants affecting the 191 amino acid residue or neighboring residues (e.g. p.Arg191Gln, p.Arg191Trp, p.Arg190His, p.Arg190Gly, p.Arg190Cys), are cited in ClinVar and HGMD as pathogenic and disease-associated, suggesting this region is important for protein function. Based on the evidence outlined above, the variant was classified as likely pathogenic.

OMIM
Classification: Pathogenic for METHYLMALONIC ACIDURIA, cblB TYPE. Last evaluated: 2015-06-01. Review status: no assertion criteria provided. Collection method: literature only. Allele origin: germline. Not counted in ClinVar's aggregate classification.

Literature cited by the submitters: PubMed 24813872 (cited by 3 submitters); PubMed 30041674 (cited by Women's Health and Genetics/Laboratory Corporation of America, LabCorp); PubMed 35764087 (cited by Women's Health and Genetics/Laboratory Corporation of America, LabCorp).